The following is an entry in ClinVar:

ClinVar aggregate classification (germline): Uncertain significance (1 of 4 stars; one submission).

Allele frequency attached by ClinVar (database versions not stated): gnomAD exomes below 0.00001.
gnomAD v4.1: 3 of 1,613,788 alleles (0.00019%); highest among the groups gnomAD compares: South Asian, 0.0011%; no homozygotes.

Submission:

GeneDx
Classification: Uncertain significance. Last evaluated: 2023-03-17. Review status: criteria provided, single submitter. Criteria: GeneDx Variant Classification Process June 2021. Collection method: clinical testing. Allele origin: germline. Affected: yes.
Comment: Not observed at significant frequency in large population cohorts (gnomAD); In silico analysis supports that this missense variant has a deleterious effect on protein structure/function; Has not been previously published as pathogenic or benign to our knowledge

NM_014991.6(WDFY3):c.10292G>A (p.Arg3431Gln)

Gene: WDFY3 (WD repeat and FYVE domain containing 3; minus strand). Cytogenetic location: 4q21.23.
Variant type: single nucleotide variant.
Coding change: c.10292G>A on transcript NM_014991.6 (MANE Select); coding-DNA position 10292, G replaced by A.
Protein change: p.Arg3431Gln; replaces arginine 3431 with glutamine.
Molecular consequence: missense variant.
Genome position (GRCh38, 1-based): chr4:84,677,364, C>T on the plus strand (G>A on the coding strand, the complement: WDFY3 is on the minus strand). VCF-style: chr4-84677364-C-T. GRCh37 (hg19) VCF-style: chr4-85598517-C-T.
Other names: short protein forms R3431Q.
Identifiers: ClinVar variation 2579757 (VCV002579757.1), dbSNP rs1449557653, ClinGen allele CA357265321.